The following is an entry in ClinVar:

NM_002439.5(MSH3):c.1856C>A (p.Pro619His)

Gene: MSH3 (mutS homolog 3; plus strand). Cytogenetic location: 5q14.1.
Variant type: single nucleotide variant.
Coding change: c.1856C>A on transcript NM_002439.5 (MANE Select); coding-DNA position 1856, C replaced by A.
Protein change: p.Pro619His; replaces proline 619 with histidine.
Molecular consequence: missense variant.
Genome position (GRCh38, 1-based): chr5:80,761,638, C>A. VCF-style: chr5-80761638-C-A. GRCh37 (hg19) VCF-style: chr5-80057457-C-A.
Other names: short protein forms P619H.
Identifiers: ClinVar variation 951229 (VCV000951229.13), dbSNP rs1346767026, ClinGen allele CA360276659.
Genomic context (GRCh38, chr5:80,761,638, plus strand): 5'-AAGTTCTCCATTCAGAATCTAGTGTGTTTGGTCAGATAGAAAATCATCTACGTAAATTGC[C>A]CGACATAGAGAGGGGACTCTGTAGCATTTATCACAAAAAAGTAAGTGTGATAGAAATCTA-3'
Protein context (NP_002430.3, residues 609-629): GQIENHLRKL[Pro619His]DIERGLCSIY

ClinVar aggregate classification (germline): Uncertain significance. Review status: criteria provided, multiple submitters, no conflicts (2 of 4 stars). 2 submissions from 2 submitters: Uncertain significance (2). Last evaluated 2025-09-04.

Conditions:
Hereditary cancer-predisposing syndrome. Also called: Tumor predisposition; Hereditary neoplastic syndrome; Neoplastic Syndromes, Hereditary; Hereditary Cancer Syndrome. Identifiers: Orphanet 140162, MedGen C0027672, MeSH D009386, MONDO:0015356.

Allele frequency attached by ClinVar (database versions not stated): gnomAD exomes below 0.00001.
gnomAD v4.1: 1 of 1,613,938 alleles (0.000062%); highest among the groups gnomAD compares: East Asian, 0.0022%; no homozygotes.

Submissions (2):

Ambry Genetics
Classification: Uncertain significance for Hereditary cancer-predisposing syndrome. Last evaluated: 2025-09-04. Review status: criteria provided, single submitter. Criteria: Ambry Variant Classification Scheme 2023. Collection method: clinical testing. Allele origin: germline.
Comment: The p.P619H variant (also known as c.1856C>A), located in coding exon 13 of the MSH3 gene, results from a C to A substitution at nucleotide position 1856. The proline at codon 619 is replaced by histidine, an amino acid with similar properties. This amino acid position is conserved. In addition, this alteration is predicted to be deleterious by in silico analysis. Since supporting evidence is limited at this time, the clinical significance of this alteration remains unclear.

Labcorp Genetics (formerly Invitae), Labcorp
Classification: Uncertain significance. Last evaluated: 2024-11-04. Review status: criteria provided, single submitter. Criteria: Invitae Variant Classification Sherloc (09022015). Collection method: clinical testing. Allele origin: germline.
Comment: This sequence change replaces proline, which is neutral and non-polar, with histidine, which is basic and polar, at codon 619 of the MSH3 protein (p.Pro619His). This variant is present in population databases (no rsID available, gnomAD 0.006%). This variant has not been reported in the literature in individuals affected with MSH3-related conditions. ClinVar contains an entry for this variant (Variation ID: 951229). An algorithm developed to predict the effect of missense changes on protein structure and function (PolyPhen-2) suggests that this variant is likely to be disruptive. In summary, the available evidence is currently insufficient to determine the role of this variant in disease. Therefore, it has been classified as a Variant of Uncertain Significance.